The following is an entry in ClinVar:

NM_004055.5(CAPN5):c.1804G>T (p.Asp602Tyr)

Gene: CAPN5 (calpain 5; plus strand). Cytogenetic location: 11q13.5.
Variant type: single nucleotide variant.
Coding change: c.1804G>T on transcript NM_004055.5 (MANE Select); coding-DNA position 1804, G replaced by T.
Protein change: p.Asp602Tyr; replaces aspartic acid 602 with tyrosine.
Molecular consequence: missense variant.
Genome position (GRCh38, 1-based): chr11:77,123,751, G>T. VCF-style: chr11-77123751-G-T. GRCh37 (hg19) VCF-style: chr11-76834797-G-T.
Other names: short protein forms D602Y.
Identifiers: ClinVar variation 1035774 (VCV001035774.12), dbSNP rs782207177, ClinGen allele CA224832231.

ClinVar aggregate classification (germline): Uncertain significance. Review status: criteria provided, multiple submitters, no conflicts (2 of 4 stars). 3 submissions from 3 submitters: Uncertain significance (3). Last evaluated 2024-06-14.

Allele frequency attached by ClinVar (database versions not stated): gnomAD exomes 0.00001.
gnomAD v4.1: 13 of 1,613,900 alleles (0.00081%); highest among the groups gnomAD compares: African/African-American, 0.0013%; no homozygotes.

Submissions (3):

Blueprint Genetics
Classification: Uncertain significance. Last evaluated: 2024-06-14. Review status: criteria provided, single submitter. Criteria: ACMG Guidelines, 2015. Collection method: clinical testing. Allele origin: germline.

Labcorp Genetics (formerly Invitae), Labcorp
Classification: Uncertain significance. Last evaluated: 2022-03-10. Review status: criteria provided, single submitter. Criteria: Invitae Variant Classification Sherloc (09022015). Collection method: clinical testing. Allele origin: germline.
Comment: This variant is present in population databases (rs782207177, gnomAD 0.0009%). This sequence change replaces aspartic acid, which is acidic and polar, with tyrosine, which is neutral and polar, at codon 602 of the CAPN5 protein (p.Asp602Tyr). This variant has not been reported in the literature in individuals affected with CAPN5-related conditions. In summary, the available evidence is currently insufficient to determine the role of this variant in disease. Therefore, it has been classified as a Variant of Uncertain Significance. Algorithms developed to predict the effect of missense changes on protein structure and function are either unavailable or do not agree on the potential impact of this missense change (SIFT: "Deleterious"; PolyPhen-2: "Possibly Damaging"; Align-GVGD: "Class C0"). ClinVar contains an entry for this variant (Variation ID: 1035774).

Breakthrough Genomics
Classification: Uncertain significance. Review status: criteria provided, single submitter. Criteria: ACMG Guidelines, 2015. Collection method: not provided. Allele origin: germline. Inheritance: Autosomal dominant inheritance. Affected: yes.